The following is an entry in ClinVar:

ClinVar aggregate classification (germline): Benign/Likely benign. Review status: criteria provided, multiple submitters, no conflicts (2 of 4 stars). 3 submissions from 3 submitters: Benign (1); Likely benign (2). Last evaluated 2026-07-01.

Allele frequency attached by ClinVar (database versions not stated): 1000 Genomes Project 30x 0.00062; 1000 Genomes Project 0.00080; TOPMed 0.00154; ESP Exome Variant Server 0.00161.
gnomAD v4.1: 3,587 of 1,614,254 alleles (0.22%); highest among the groups gnomAD compares: Non-Finnish European, 0.24%; 13 homozygotes.

Submissions (3):

CeGaT Center for Human Genetics Tuebingen
Classification: Likely benign. Last evaluated: 2026-07-01. Review status: criteria provided, single submitter. Criteria: CeGaT Center For Human Genetics Tuebingen Variant Classification Criteria Version 2. Collection method: clinical testing. Allele origin: germline. Affected: yes. Observed: 5 variant alleles.
Comment: TDP2: BP4, BS2

Mayo Clinic Laboratories, Mayo Clinic
Classification: Benign. Last evaluated: 2025-09-25. Review status: criteria provided, single submitter. Criteria: ACMG Guidelines, 2015. Collection method: clinical testing. Allele origin: germline. Observed: 5 variant alleles.
Comment: BA1, BS3_supporting, BP4_moderate

Labcorp Genetics (formerly Invitae), Labcorp
Classification: Likely benign. Last evaluated: 2019-12-31. Review status: criteria provided, single submitter. Criteria: Invitae Variant Classification Sherloc (09022015). Collection method: clinical testing. Allele origin: germline.

Literature cited by the submitters: PubMed 32356875 (cited by Mayo Clinic Laboratories, Mayo Clinic).

NM_016614.3(TDP2):c.82C>G (p.Leu28Val)

Genes: TDP2 (tyrosyl-DNA phosphodiesterase 2; minus strand), LOC113174982 (Sharpr-MPRA regulatory region 5933; plus strand). Cytogenetic location: 6p22.3.
Variant type: single nucleotide variant.
Coding change: c.82C>G on transcript NM_016614.3 (MANE Select); coding-DNA position 82, C replaced by G.
Protein change: p.Leu28Val; replaces leucine 28 with valine.
Molecular consequence: missense variant.
Genome position (GRCh38, 1-based): chr6:24,666,781, G>C on the plus strand (C>G on the coding strand, the complement: TDP2 is on the minus strand). VCF-style: chr6-24666781-G-C. GRCh37 (hg19) VCF-style: chr6-24667009-G-C.
Other names: p.Leu28Val; short protein forms L28V.
Identifiers: ClinVar variation 778885 (VCV000778885.29), dbSNP rs146127613, ClinGen allele CA3658291.